The following is an entry in ClinVar:

NM_001130438.3(SPTAN1):c.1936A>G (p.Lys646Glu)

Gene: SPTAN1 (spectrin alpha, non-erythrocytic 1; plus strand). Cytogenetic location: 9q34.11.
Variant type: single nucleotide variant.
Coding change: c.1936A>G on transcript NM_001130438.3 (MANE Select); coding-DNA position 1936, A replaced by G.
Protein change: p.Lys646Glu; replaces lysine 646 with glutamic acid.
Molecular consequence: missense variant.
Genome position (GRCh38, 1-based): chr9:128,583,206, A>G. VCF-style: chr9-128583206-A-G. GRCh37 (hg19) VCF-style: chr9-131345485-A-G.
Other names: c.1936A>G, p.Lys646Glu (NM_001195532.2, NM_001363759.2, NM_001363765.2 and 5 more transcripts); c.1972A>G, p.Lys658Glu (NM_001375312.2, NM_001375318.1); short protein forms K646E, K658E.
Identifiers: ClinVar variation 1409627 (VCV001409627.11), dbSNP rs903037131, ClinGen allele CA200379460.

ClinVar aggregate classification (germline): Uncertain significance. Review status: criteria provided, multiple submitters, no conflicts (2 of 4 stars). 2 submissions from 2 submitters: Uncertain significance (2). Last evaluated 2025-08-22.

Conditions:
Inborn genetic diseases. Identifiers: MedGen C0950123, MeSH D030342.
Early-infantile DEE. Also called: Early infantile epileptic encephalopathy; Ohtahara syndrome; Early infantile epileptic encephalopathy with suppression bursts. Identifiers: Orphanet 1934, MedGen C0393706, MONDO:0800491.

Allele frequency attached by ClinVar (database versions not stated): gnomAD exomes 0.00001; TOPMed 0.00002; gnomAD 0.00003.
gnomAD v4.1: 18 of 1,614,014 alleles (0.0011%); highest among the groups gnomAD compares: African/African-American, 0.0027%; no homozygotes.

Submissions (2):

Labcorp Genetics (formerly Invitae), Labcorp
Classification: Uncertain significance for Early-infantile DEE. Last evaluated: 2025-08-22. Review status: criteria provided, single submitter. Criteria: Invitae Variant Classification Sherloc (09022015). Collection method: clinical testing. Allele origin: germline.
Comment: This sequence change replaces lysine, which is basic and polar, with glutamic acid, which is acidic and polar, at codon 646 of the SPTAN1 protein (p.Lys646Glu). This variant is present in population databases (no rsID available, gnomAD 0.01%). This variant has not been reported in the literature in individuals affected with SPTAN1-related conditions. ClinVar contains an entry for this variant (Variation ID: 1409627). Invitae Evidence Modeling of protein sequence and biophysical properties (such as structural, functional, and spatial information, amino acid conservation, physicochemical variation, residue mobility, and thermodynamic stability) has been performed for this missense variant. However, the output from this modeling did not meet the statistical confidence thresholds required to predict the impact of this variant on SPTAN1 protein function. In summary, the available evidence is currently insufficient to determine the role of this variant in disease. Therefore, it has been classified as a Variant of Uncertain Significance.

Ambry Genetics
Classification: Uncertain significance for Inborn genetic diseases. Last evaluated: 2018-07-23. Review status: criteria provided, single submitter. Criteria: Ambry Variant Classification Scheme 2023. Collection method: clinical testing. Allele origin: germline.
Comment: The p.K646E variant (also known as c.1936A>G), located in coding exon 14 of the SPTAN1 gene, results from an A to G substitution at nucleotide position 1936. The lysine at codon 646 is replaced by glutamic acid, an amino acid with similar properties. This amino acid position is not well conserved in available vertebrate species. In addition, this alteration is predicted to be tolerated by in silico analysis. Since supporting evidence is limited at this time, the clinical significance of this alteration remains unclear.